The following is an entry in ClinVar:

ClinVar aggregate classification (germline): Likely pathogenic (1 of 4 stars; one submission).

Allele frequency attached by ClinVar (database versions not stated): gnomAD exomes below 0.00001.
gnomAD v4.1: 1 of 1,613,928 alleles (0.000062%); highest among the groups gnomAD compares: Non-Finnish European, 0.000085%; no homozygotes.

Submission:

Labcorp Genetics (formerly Invitae), Labcorp
Classification: Likely pathogenic. Last evaluated: 2019-01-28. Review status: criteria provided, single submitter. Criteria: Invitae Variant Classification Sherloc (09022015). Collection method: clinical testing. Allele origin: germline.
Comment: In summary, the currently available evidence indicates that the variant is pathogenic, but additional data are needed to prove that conclusively. Therefore, this variant has been classified as Likely Pathogenic. Donor and acceptor splice site variants typically lead to a loss of protein function (PMID: 16199547), and loss-of-function variants in CREB3L3 are known to be pathogenic (PMID: 21666694, 26427795). This variant has not been reported in the literature in individuals with CREB3L3-related conditions. This variant is not present in population databases (ExAC no frequency). This sequence change affects an acceptor splice site in intron 4 of the CREB3L3 gene. It is expected to disrupt RNA splicing and likely results in an absent or disrupted protein product.

Literature cited by the submitters: PubMed 16199547; PubMed 21666694; PubMed 26427795.

NM_032607.3(CREB3L3):c.577-1G>A

Gene: CREB3L3 (cAMP responsive element binding protein 3 like 3; plus strand). Cytogenetic location: 19p13.3.
Variant type: single nucleotide variant.
Coding change: c.577-1G>A on transcript NM_032607.3 (MANE Select); the canonical splice acceptor site of the intron before coding-DNA position 577, G replaced by A.
Molecular consequence: splice acceptor variant. On other transcripts: intron variant (1).
Genome position (GRCh38, 1-based): chr19:4,164,502, G>A. VCF-style: chr19-4164502-G-A. GRCh37 (hg19) VCF-style: chr19-4164499-G-A.
Other names: c.577-1G>A (NM_001271997.2); c.577-7G>A (NM_001271996.2); c.574-1G>A (NM_001271995.2).
Identifiers: ClinVar variation 852932 (VCV000852932.8), dbSNP rs2041700760, ClinGen allele CA403403211.